The following is an entry in ClinVar:

NM_001134831.2(AHI1):c.1342G>A (p.Glu448Lys)

Gene: AHI1 (Abelson helper integration site 1; minus strand). Cytogenetic location: 6q23.3.
Variant type: single nucleotide variant.
Coding change: c.1342G>A on transcript NM_001134831.2 (MANE Select); coding-DNA position 1342, G replaced by A.
Protein change: p.Glu448Lys; replaces glutamic acid 448 with lysine.
Molecular consequence: missense variant.
Genome position (GRCh38, 1-based): chr6:135,455,736, C>T on the plus strand (G>A on the coding strand, the complement: AHI1 is on the minus strand). VCF-style: chr6-135455736-C-T. GRCh37 (hg19) VCF-style: chr6-135776874-C-T.
Other names: c.1342G>A, p.Glu448Lys (NM_001134830.2, NM_001134832.2, NM_001350503.2 and 2 more transcripts); short protein forms E448K.
Identifiers: ClinVar variation 1020392 (VCV001020392.10), dbSNP rs777952691, ClinGen allele CA4012615.

ClinVar aggregate classification (germline): Uncertain significance. Review status: criteria provided, multiple submitters, no conflicts (2 of 4 stars). 3 submissions from 3 submitters: Uncertain significance (3). Last evaluated 2025-12-15.

Conditions:
Joubert syndrome 3 (JBTS3). Also called: AHI1-related Ciliopathy. Identifiers: Orphanet 220493, MedGen C1837713, MONDO:0012078, OMIM 608629.
Joubert syndrome. Also called: Familial aplasia of the vermis; JOUBERT-BOLTSHAUSER SYNDROME. Identifiers: Orphanet 475, MedGen C5979921, MONDO:0018772.

Allele frequency attached by ClinVar (database versions not stated): gnomAD exomes below 0.00001 and 0.00001; ExAC 0.00002.
gnomAD v4.1: 4 of 1,580,860 alleles (0.00025%); highest among the groups gnomAD compares: Admixed American, 0.0052%; no homozygotes.

Submissions (3):

Labcorp Genetics (formerly Invitae), Labcorp
Classification: Uncertain significance for Joubert syndrome. Last evaluated: 2025-12-15. Review status: criteria provided, single submitter. Criteria: Invitae Variant Classification Sherloc (09022015). Collection method: clinical testing. Allele origin: germline.
Comment: This sequence change replaces glutamic acid, which is acidic and polar, with lysine, which is basic and polar, at codon 448 of the AHI1 protein (p.Glu448Lys). This variant is present in population databases (rs777952691, gnomAD 0.006%). This variant has not been reported in the literature in individuals affected with AHI1-related conditions. ClinVar contains an entry for this variant (Variation ID: 1020392). An algorithm developed to predict the effect of missense changes on protein structure and function (PolyPhen-2) suggests that this variant is likely to be disruptive. In summary, the available evidence is currently insufficient to determine the role of this variant in disease. Therefore, it has been classified as a Variant of Uncertain Significance.

Blueprint Genetics
Classification: Uncertain significance. Last evaluated: 2022-10-06. Review status: criteria provided, single submitter. Criteria: ACMG Guidelines, 2015. Collection method: clinical testing. Allele origin: germline.

Fulgent Genetics
Classification: Uncertain significance for Joubert syndrome 3. Last evaluated: 2021-10-04. Review status: criteria provided, single submitter. Criteria: ACMG Guidelines, 2015. Collection method: clinical testing. Allele origin: unknown.